The following is an entry in ClinVar:

NM_012471.3(TRPC5):c.2564A>G (p.His855Arg)

Gene: TRPC5 (transient receptor potential cation channel subfamily C member 5; minus strand). Cytogenetic location: Xq23.
Variant type: single nucleotide variant.
Coding change: c.2564A>G on transcript NM_012471.3 (MANE Select); coding-DNA position 2564, A replaced by G.
Protein change: p.His855Arg; replaces histidine 855 with arginine.
Molecular consequence: missense variant.
Genome position (GRCh38, 1-based): chrX:111,776,671, T>C on the plus strand (A>G on the coding strand, the complement: TRPC5 is on the minus strand). VCF-style: chrX-111776671-T-C. GRCh37 (hg19) VCF-style: chrX-111019899-T-C.
Other names: short protein forms H855R.
Identifiers: ClinVar variation 3349823 (VCV003349823.1).

ClinVar aggregate classification (germline): Uncertain significance (0 of 4 stars; one submission).

Conditions:
TRPC5-related disorder. Also called: TRPC5-related condition.

gnomAD v4.1: 3 of 1,211,819 alleles (0.00025%); highest among the groups gnomAD compares: Non-Finnish European, 0.00033%; no homozygotes.

Submission:

PreventionGenetics, part of Exact Sciences
Classification: Uncertain significance for TRPC5-related condition. Last evaluated: 2024-03-21. Review status: no assertion criteria provided. Collection method: clinical testing. Allele origin: germline.
Comment: The TRPC5 c.2564A>G variant is predicted to result in the amino acid substitution p.His855Arg. To our knowledge, this variant has not been reported in the literature or in a large population database, indicating this variant is rare. At this time, the clinical significance of this variant is uncertain due to the absence of conclusive functional and genetic evidence.